The following is an entry in ClinVar:

NM_006158.5(NEFL):c.1351C>G (p.Gln451Glu)

Gene: NEFL (neurofilament light chain; minus strand). Cytogenetic location: 8p21.2.
Variant type: single nucleotide variant.
Coding change: c.1351C>G on transcript NM_006158.5 (MANE Select); coding-DNA position 1351, C replaced by G.
Protein change: p.Gln451Glu; replaces glutamine 451 with glutamic acid.
Molecular consequence: missense variant.
Genome position (GRCh38, 1-based): chr8:24,953,614, G>C on the plus strand (C>G on the coding strand, the complement: NEFL is on the minus strand). VCF-style: chr8-24953614-G-C. GRCh37 (hg19) VCF-style: chr8-24811128-G-C.
Other names: short protein forms Q451E.
Identifiers: ClinVar variation 852518 (VCV000852518.5), dbSNP rs773307364, ClinGen allele CA4681286.

ClinVar aggregate classification (germline): Uncertain significance (1 of 4 stars; one submission).

Conditions:
Charcot-Marie-Tooth disease type 2E (CMT2E). Also called: CHARCOT-MARIE-TOOTH DISEASE, AXONAL, TYPE 2E; CHARCOT-MARIE-TOOTH NEUROPATHY, TYPE 2E. Identifiers: Orphanet 99939, MedGen C1843225, MONDO:0011894, OMIM 607684.

Allele frequency attached by ClinVar (database versions not stated): gnomAD exomes below 0.00001; TOPMed below 0.00001; ExAC 0.00001; gnomAD 0.00001.
gnomAD v4.1: 3 of 1,613,830 alleles (0.00019%); highest among the groups gnomAD compares: African/African-American, 0.0027%; no homozygotes.

Submission:

Labcorp Genetics (formerly Invitae), Labcorp
Classification: Uncertain significance for Charcot-Marie-Tooth disease type 2E. Last evaluated: 2019-02-14. Review status: criteria provided, single submitter. Criteria: Invitae Variant Classification Sherloc (09022015). Collection method: clinical testing. Allele origin: germline.
Comment: This variant has not been reported in the literature in individuals with NEFL-related conditions. This variant is present in population databases (rs773307364, ExAC 0.006%). Algorithms developed to predict the effect of missense changes on protein structure and function are either unavailable or do not agree on the potential impact of this missense change (SIFT: "Tolerated"; PolyPhen-2: "Not Available"; Align-GVGD: "Class C0"). This sequence change replaces glutamine with glutamic acid at codon 451 of the NEFL protein (p.Gln451Glu). The glutamine residue is highly conserved and there is a small physicochemical difference between glutamine and glutamic acid. In summary, the available evidence is currently insufficient to determine the role of this variant in disease. Therefore, it has been classified as a Variant of Uncertain Significance.